The following is an entry in ClinVar:

ClinVar aggregate classification (germline): Pathogenic/Likely pathogenic. Review status: criteria provided, multiple submitters, no conflicts (2 of 4 stars). 2 submissions from 2 submitters: Pathogenic (1); Likely pathogenic (1). Last evaluated 2024-02-24.

Conditions:
Long QT syndrome (LQTS). Identifiers: MedGen C0023976, MeSH D008133, MONDO:0002442. Disease mechanism: loss of function. Inheritance: Various modes of inheritance.

Allele frequency attached by ClinVar (database versions not stated): gnomAD exomes below 0.00001.
gnomAD v4.1: 3 of 1,614,078 alleles (0.00019%); highest among the groups gnomAD compares: Non-Finnish European, 0.00025%; no homozygotes.

Submissions (2):

Labcorp Genetics (formerly Invitae), Labcorp
Classification: Likely pathogenic for Long QT syndrome. Last evaluated: 2024-02-24. Review status: criteria provided, single submitter. Criteria: Invitae Variant Classification Sherloc (09022015). Collection method: clinical testing. Allele origin: germline.
Comment: This sequence change affects a donor splice site in intron 3 of the KCNH2 gene. It is expected to disrupt RNA splicing. Variants that disrupt the donor or acceptor splice site typically lead to a loss of protein function (PMID: 16199547), and loss-of-function variants in KCNH2 are known to be pathogenic (PMID: 10973849, 19862833). This variant is not present in population databases (gnomAD no frequency). Disruption of this splice site has been observed in individual(s) with clinical features of long QT syndrome (Invitae). ClinVar contains an entry for this variant (Variation ID: 419715). Algorithms developed to predict the effect of sequence changes on RNA splicing suggest that this variant may disrupt the consensus splice site. In summary, the currently available evidence indicates that the variant is pathogenic, but additional data are needed to prove that conclusively. Therefore, this variant has been classified as Likely Pathogenic.

GeneDx
Classification: Pathogenic. Last evaluated: 2015-08-17. Review status: criteria provided, single submitter. Criteria: GeneDx Variant Classification (06012015). Collection method: clinical testing. Allele origin: germline. Affected: yes.
Comment: This substitution destroys the canonical splice donor site in intron 3 and is predicted to cause abnormal gene splicing. The variant is predicted to lead to either an abnormal message that is subject to nonsense-mediated mRNA decay, or to an abnormal protein product if the message is used for protein translation. Other splice site variants in the KCNH2 gene have been reported in HGMD in association with LQTS (Stenson P et al., 2014). Furthermore, the c.472+1 G>A variant was not observed in approximately 6,500 individuals of European and African American ancestry in the NHLBI Exome Sequencing Project, indicating it is not a common benign variant in these populations. In summary, c.472+1 G>A in the KCNH2 gene is interpreted as a pathogenic variant.

Literature cited by the submitters: PubMed 16199547 (cited by Labcorp Genetics (formerly Invitae), Labcorp); PubMed 10973849 (cited by Labcorp Genetics (formerly Invitae), Labcorp); PubMed 19862833 (cited by Labcorp Genetics (formerly Invitae), Labcorp).

NM_000238.4(KCNH2):c.472+1G>A

Gene: KCNH2 (potassium voltage-gated channel subfamily H member 2; minus strand). Cytogenetic location: 7q36.1.
Variant type: single nucleotide variant.
Coding change: c.472+1G>A on transcript NM_000238.4 (MANE Select); the canonical splice donor site of the intron after coding-DNA position 472, G replaced by A.
Molecular consequence: splice donor variant.
Genome position (GRCh38, 1-based): chr7:150,959,571, C>T on the plus strand (G>A on the coding strand, the complement: KCNH2 is on the minus strand). VCF-style: chr7-150959571-C-T. GRCh37 (hg19) VCF-style: chr7-150656659-C-T.
Other names: c.295+1G>A (NM_001406755.1); c.172+1G>A (NM_001406757.1); c.184+1G>A (NM_001406756.1, NM_001406753.1); c.472+1G>A (NM_172056.3).
Identifiers: ClinVar variation 419715 (VCV000419715.12), dbSNP rs794728477, ClinGen allele CA16618414.